The following is an entry in ClinVar:

ClinVar aggregate classification (germline): Uncertain significance (1 of 4 stars; one submission).

gnomAD v4.1: 3 of 1,613,948 alleles (0.00019%); highest among the groups gnomAD compares: Admixed American, 0.0033%; no homozygotes.

Submission:

Labcorp Genetics (formerly Invitae), Labcorp
Classification: Uncertain significance. Last evaluated: 2025-11-07. Review status: criteria provided, single submitter. Criteria: Invitae Variant Classification Sherloc (09022015). Collection method: clinical testing. Allele origin: germline.
Comment: This sequence change replaces methionine, which is neutral and non-polar, with isoleucine, which is neutral and non-polar, at codon 308 of the GNAT1 protein (p.Met308Ile). This variant is not present in population databases (gnomAD no frequency). This variant has not been reported in the literature in individuals affected with GNAT1-related conditions. Invitae Evidence Modeling of protein sequence and biophysical properties (such as structural, functional, and spatial information, amino acid conservation, physicochemical variation, residue mobility, and thermodynamic stability) indicates that this missense variant is not expected to disrupt GNAT1 protein function with a negative predictive value of 80%. In summary, the available evidence is currently insufficient to determine the role of this variant in disease. Therefore, it has been classified as a Variant of Uncertain Significance.

NM_144499.3(GNAT1):c.924G>A (p.Met308Ile)

Gene: GNAT1 (G protein subunit alpha transducin 1; plus strand). Cytogenetic location: 3p21.31.
Variant type: single nucleotide variant.
Coding change: c.924G>A on transcript NM_144499.3 (MANE Select); coding-DNA position 924, G replaced by A.
Protein change: p.Met308Ile; replaces methionine 308 with isoleucine.
Molecular consequence: missense variant.
Genome position (GRCh38, 1-based): chr3:50,194,826, G>A. VCF-style: chr3-50194826-G-A. GRCh37 (hg19) VCF-style: chr3-50232259-G-A.
Other names: c.924G>A, p.Met308Ile (NM_000172.4); short protein forms M308I.
Identifiers: ClinVar variation 4707717 (VCV004707717.1).